The following is an entry in ClinVar:

NM_005476.7(GNE):c.856C>T (p.Gln286Ter)

Gene: GNE (glucosamine (UDP-N-acetyl)-2-epimerase/N-acetylmannosamine kinase; minus strand). Cytogenetic location: 9p13.3.
Variant type: single nucleotide variant.
Coding change: c.856C>T on transcript NM_005476.7 (MANE Select); coding-DNA position 856, C replaced by T.
Protein change: p.Gln286Ter; replaces glutamine 286 with a stop codon.
Molecular consequence: nonsense.
Genome position (GRCh38, 1-based): chr9:36,234,046, G>A on the plus strand (C>T on the coding strand, the complement: GNE is on the minus strand). VCF-style: chr9-36234046-G-A. GRCh37 (hg19) VCF-style: chr9-36234043-G-A.
Other names: c.949C>T, p.Gln317Ter (NM_001128227.3); c.856C>T, p.Gln286Ter (NM_001190383.3); c.526C>T, p.Gln176Ter (NM_001190384.3); c.679C>T, p.Gln227Ter (NM_001190388.2, NM_001374798.1); c.703C>T, p.Gln235Ter (NM_001374797.1); short protein forms Q317*, Q286*, Q176*, Q227*, Q235*.
Identifiers: ClinVar variation 370758 (VCV000370758.9), dbSNP rs1057516746, ClinGen allele CA16041319.

ClinVar aggregate classification (germline): Pathogenic/Likely pathogenic. Review status: criteria provided, multiple submitters, no conflicts (2 of 4 stars). 3 submissions from 3 submitters: Pathogenic (1); Likely pathogenic (1). 1 of the submissions does not count toward it. Last evaluated 2024-05-08.

Conditions:
GNE myopathy (NM). Also called: IBM 2; Inclusion body myopathy autosomal recessive; Inclusion body myopathy quadriceps sparing; INCLUSION BODY MYOPATHY, HEREDITARY, AUTOSOMAL RECESSIVE; NONAKA DISTAL MYOPATHY; INCLUSION BODY MYOPATHY 2, AUTOSOMAL RECESSIVE. Identifiers: Orphanet 602, MedGen C1853926, MONDO:0011603, OMIM 605820.
Sialuria. Also called: SIALURIA, FRENCH TYPE; Sialic Acid Storage Disease. Identifiers: Orphanet 3166, MedGen C0342853, MONDO:0010028, OMIM 269921.
Thrombocytopenia 12 with or without myopathy (THC12). Identifiers: MedGen C5935593, MONDO:0958325, OMIM 620757.

Submissions (3):

Fulgent Genetics
Classification: Likely pathogenic for Sialuria; GNE myopathy; Thrombocytopenia 12 with or without myopathy. Last evaluated: 2024-05-08. Review status: criteria provided, single submitter. Criteria: ACMG Guidelines, 2015. Collection method: clinical testing. Allele origin: germline.

Labcorp Genetics (formerly Invitae), Labcorp
Classification: Pathogenic for Sialuria; GNE myopathy. Last evaluated: 2022-04-20. Review status: criteria provided, single submitter. Criteria: Invitae Variant Classification Sherloc (09022015). Collection method: clinical testing. Allele origin: germline.
Comment: This variant has not been reported in the literature in individuals affected with GNE-related conditions. This variant is not present in population databases (gnomAD no frequency). This sequence change creates a premature translational stop signal (p.Gln317*) in the GNE gene. It is expected to result in an absent or disrupted protein product. Loss-of-function variants in GNE are known to be pathogenic (PMID: 24027297). ClinVar contains an entry for this variant (Variation ID: 370758). For these reasons, this variant has been classified as Pathogenic.

Counsyl
Classification: Likely pathogenic for GNE myopathy. Last evaluated: 2016-04-07. Review status: no assertion criteria provided. Collection method: clinical testing. Allele origin: unknown. Not counted in ClinVar's aggregate classification.

Literature cited by the submitters: PubMed 24027297 (cited by Labcorp Genetics (formerly Invitae), Labcorp).